The following is an entry in ClinVar:

ClinVar aggregate classification (germline): Uncertain significance (1 of 4 stars; one submission).

Allele frequency attached by ClinVar (database versions not stated): gnomAD exomes below 0.00001.
gnomAD v4.1: 1 of 1,609,258 alleles (0.000062%); highest among the groups gnomAD compares: Non-Finnish European, 0.000085%; no homozygotes.

Submission:

Labcorp Genetics (formerly Invitae), Labcorp
Classification: Uncertain significance. Last evaluated: 2023-03-17. Review status: criteria provided, single submitter. Criteria: Invitae Variant Classification Sherloc (09022015). Collection method: clinical testing. Allele origin: germline.
Comment: In summary, the available evidence is currently insufficient to determine the role of this variant in disease. Therefore, it has been classified as a Variant of Uncertain Significance. An algorithm developed to predict the effect of missense changes on protein structure and function (PolyPhen-2) suggests that this variant is likely to be disruptive. This variant has not been reported in the literature in individuals affected with MKL1-related conditions. This variant is not present in population databases (gnomAD no frequency). This sequence change replaces proline, which is neutral and non-polar, with serine, which is neutral and polar, at codon 712 of the MKL1 protein (p.Pro712Ser).

NM_020831.6(MRTFA):c.2434C>T (p.Pro812Ser)

Gene: MRTFA (myocardin related transcription factor A; minus strand). Cytogenetic location: 22q13.1.
Variant type: single nucleotide variant.
Coding change: c.2434C>T on transcript NM_020831.6 (MANE Select); coding-DNA position 2434, C replaced by T.
Protein change: p.Pro812Ser; replaces proline 812 with serine.
Molecular consequence: missense variant.
Genome position (GRCh38, 1-based): chr22:40,417,424, G>A on the plus strand (C>T on the coding strand, the complement: MRTFA is on the minus strand). VCF-style: chr22-40417424-G-A. GRCh37 (hg19) VCF-style: chr22-40813428-G-A.
Other names: c.2134C>T, p.Pro712Ser (NM_001282660.2); c.2284C>T, p.Pro762Ser (NM_001282661.3); c.2434C>T, p.Pro812Ser (NM_001282662.3); c.2239C>T, p.Pro747Ser (NM_001318139.2); short protein forms P747S, P762S, P712S, P812S.
Identifiers: ClinVar variation 2846773 (VCV002846773.3), dbSNP rs2517806339, ClinGen allele CA411656064.